The following is an entry in ClinVar:

NM_006231.4(POLE):c.2365G>T (p.Ala789Ser)

Gene: POLE (DNA polymerase epsilon, catalytic subunit; minus strand). Cytogenetic location: 12q24.33.
Variant type: single nucleotide variant.
Coding change: c.2365G>T on transcript NM_006231.4 (MANE Select); coding-DNA position 2365, G replaced by T.
Protein change: p.Ala789Ser; replaces alanine 789 with serine.
Molecular consequence: missense variant.
Genome position (GRCh38, 1-based): chr12:132,665,405, C>A on the plus strand (G>T on the coding strand, the complement: POLE is on the minus strand). VCF-style: chr12-132665405-C-A. GRCh37 (hg19) VCF-style: chr12-133241991-C-A.
Other names: short protein forms A789S.
Identifiers: ClinVar variation 1790211 (VCV001790211.2), dbSNP rs1161381608, ClinGen allele CA387397663.
Genomic context (GRCh38, chr12:132,665,405, plus strand): 5'-TGTGGGCCAGCTGCAGCGAGTCATACAGCACCTCCATGTTCTTGCAGCGCTTCACCTCAG[C>A]CGCGTCGCCCACCTCCACGGCCGCCGAGAGCTTCTTTTTCCACACCTGAGAAGCACATGA-3'
Protein context (NP_006222.2, residues 779-799): LSAAVEVGDA[Ala789Ser]EVKRCKNMEV

ClinVar aggregate classification (germline): Uncertain significance (1 of 4 stars; one submission).

Conditions:
Hereditary cancer-predisposing syndrome. Also called: Hereditary Cancer Syndrome; Hereditary neoplastic syndrome; Tumor predisposition; Neoplastic Syndromes, Hereditary. Identifiers: Orphanet 140162, MedGen C0027672, MeSH D009386, MONDO:0015356.

Submission:

Ambry Genetics
Classification: Uncertain significance for Hereditary cancer-predisposing syndrome. Last evaluated: 2022-04-05. Review status: criteria provided, single submitter. Criteria: Ambry Variant Classification Scheme 2023. Collection method: clinical testing. Allele origin: germline.
Comment: The p.A789S variant (also known as c.2365G>T), located in coding exon 21 of the POLE gene, results from a G to T substitution at nucleotide position 2365. The alanine at codon 789 is replaced by serine, an amino acid with similar properties. This amino acid position is conserved. In addition, this alteration is predicted to be tolerated by in silico analysis. Since supporting evidence is limited at this time, the clinical significance of this alteration remains unclear.